The following is an entry in ClinVar:

NM_000291.4(PGK1):c.909G>C (p.Val303=)

Gene: PGK1 (phosphoglycerate kinase 1; plus strand). Cytogenetic location: Xq21.1.
Variant type: single nucleotide variant.
Coding change: c.909G>C on transcript NM_000291.4 (MANE Select); coding-DNA position 909, G replaced by C.
Protein change: p.Val303=; no amino-acid change (valine 303 retained).
Molecular consequence: synonymous variant.
Genome position (GRCh38, 1-based): chrX:78,123,347, G>C. VCF-style: chrX-78123347-G-C. GRCh37 (hg19) VCF-style: chrX-77378844-G-C.
Identifiers: ClinVar variation 793410 (VCV000793410.38), dbSNP rs142525614, ClinGen allele CA10459788.
Genomic context (GRCh38, chrX:78,123,347, plus strand): 5'-TGTTGACTTTGTCACTGCTGACAAGTTTGATGAGAATGCCAAGACTGGCCAAGCCACTGT[G>C]GCTTCTGGCATACCTGCTGGCTGGATGGTGAGTCACTTGAGTGGGTTGGTAGTGTGAGTG-3'
Protein context (NP_000282.1, residues 293-313): DENAKTGQAT[Val303=]ASGIPAGWMG

ClinVar aggregate classification (germline): Benign/Likely benign. Review status: criteria provided, multiple submitters, no conflicts (2 of 4 stars). 7 submissions from 7 submitters: Benign (1); Likely benign (5). 1 of the submissions does not count toward it. Last evaluated 2025-11-21.

Conditions:
Inborn genetic diseases. Identifiers: MedGen C0950123, MeSH D030342.
PGK1-related disorder. Also called: PGK1-related condition.
Glycogen storage disease due to phosphoglycerate kinase 1 deficiency. Also called: PHOSPHOGLYCERATE KINASE 1 DEFICIENCY WITH LEVO-DOPA-RESPONSIVE PARKINSONISM; PGK1 DEFICIENCY. Identifiers: Orphanet 713, MedGen C1970848, MONDO:0010392, OMIM 300653.

Allele frequency attached by ClinVar (database versions not stated): gnomAD exomes 0.00022; ExAC 0.00032; gnomAD 0.00087 and 0.00089; TOPMed 0.00090; ESP Exome Variant Server 0.00114; 1000 Genomes Project 0.00132; 1000 Genomes Project 30x 0.00166.
gnomAD v4.1: 183 of 1,208,690 alleles (0.015%); highest among the groups gnomAD compares: African/African-American, 0.31%; 1 homozygote.

Submissions (7):

Labcorp Genetics (formerly Invitae), Labcorp
Classification: Benign. Last evaluated: 2025-11-21. Review status: criteria provided, single submitter. Criteria: Invitae Variant Classification Sherloc (09022015). Collection method: clinical testing. Allele origin: germline.

Blueprint Genetics
Classification: Likely benign. Last evaluated: 2024-11-06. Review status: criteria provided, single submitter. Criteria: ACMG Guidelines, 2015. Collection method: clinical testing. Allele origin: germline.

ARUP Laboratories, Molecular Genetics and Genomics, ARUP Laboratories
Classification: Likely benign for Glycogen storage disease due to phosphoglycerate kinase 1 deficiency. Last evaluated: 2024-03-04. Review status: criteria provided, single submitter. Criteria: ARUP Molecular Germline Variant Investigation Process 2024. Collection method: clinical testing. Allele origin: germline.

CeGaT Center for Human Genetics Tuebingen
Classification: Likely benign. Last evaluated: 2023-09-01. Review status: criteria provided, single submitter. Criteria: CeGaT Center For Human Genetics Tuebingen Variant Classification Criteria Version 2. Collection method: clinical testing. Allele origin: germline. Affected: yes. Observed: 1 variant allele.
Comment: PGK1: BP4, BP7, BS2

Fulgent Genetics
Classification: Likely benign for Glycogen storage disease due to phosphoglycerate kinase 1 deficiency. Last evaluated: 2021-11-09. Review status: criteria provided, single submitter. Criteria: ACMG Guidelines, 2015. Collection method: clinical testing. Allele origin: unknown.

Ambry Genetics
Classification: Likely benign for Inborn genetic diseases. Last evaluated: 2014-07-25. Review status: criteria provided, single submitter. Criteria: Ambry Variant Classification Scheme 2023. Collection method: clinical testing. Allele origin: germline.

PreventionGenetics, part of Exact Sciences
Classification: Likely benign for PGK1-related condition. Last evaluated: 2019-12-09. Review status: no assertion criteria provided. Collection method: clinical testing. Allele origin: germline. Not counted in ClinVar's aggregate classification.
Comment: This variant is classified as likely benign based on ACMG/AMP sequence variant interpretation guidelines (Richards et al. 2015 PMID: 25741868, with internal and published modifications).